The following is an entry in ClinVar:

ClinVar aggregate classification (germline): Pathogenic (1 of 4 stars; one submission).

Conditions:
Familial focal epilepsy with variable foci (FPEVF). Identifiers: Orphanet 98820, MedGen C1858477, MONDO:0020310.

Submission:

Labcorp Genetics (formerly Invitae), Labcorp
Classification: Pathogenic for Familial focal epilepsy with variable foci. Last evaluated: 2022-11-29. Review status: criteria provided, single submitter. Criteria: Invitae Variant Classification Sherloc (09022015). Collection method: clinical testing. Allele origin: unknown.
Comment: For these reasons, this variant has been classified as Pathogenic. A similar copy number variant has been observed in individual(s) with focal seizures (PMID: 30093711). This variant is a gross deletion of the genomic region encompassing exon(s) 2-3 of the DEPDC5 gene, which includes the initiator codon. This deletion extends beyond the assayed region for this gene and therefore may encompass additional genes. It is expected to result in an absent or disrupted protein product. Loss-of-function variants in DEPDC5 are known to be pathogenic (PMID: 23542697, 23542701).

Literature cited by the submitters: PubMed 30093711; PubMed 23542697; PubMed 23542701.

NC_000022.10:g.(?_32150908)_(32154639_?)del

Gene: DEPDC5 (DEP domain containing 5, GATOR1 subcomplex subunit; plus strand). Cytogenetic location: 22q12.2.
Variant type: Deletion.
Identifiers: ClinVar variation 3247862 (VCV003247862.1).